The following is an entry in ClinVar:

ClinVar aggregate classification (germline): Likely pathogenic (1 of 4 stars; one submission).

Conditions:
Familial intrahepatic cholestasis. Identifiers: Orphanet 284385, MedGen CN296401, MONDO:0017290.

Submission:

Genomenon, Inc
Classification: Likely pathogenic for Familial intrahepatic cholestasis. Last evaluated: 2026-04-14. Review status: criteria provided, single submitter. Criteria: Genomenon Sequence Variant Interpretation Standards - Updated. Collection method: curation. Allele origin: germline. Affected: yes.
Comment: ABCB11 c.477+5G>A is an intronic variant located in the donor splice region of intron 6. This variant has been observed in at least one proband with an ABCB11-related disorder (PMID:39143102). At least one splicing study has demonstrated that this variant results in aberrant splicing (PMID:39143102). It is absent or not present at a significant frequency in gnomAD. In conclusion, we classify ABCB11 c.477+5G>A as a likely pathogenic variant.

Literature cited by the submitters: PubMed 39143102.

NM_003742.4(ABCB11):c.477+5G>A

Gene: ABCB11 (ATP binding cassette subfamily B member 11; minus strand). Cytogenetic location: 2q31.1.
Variant type: single nucleotide variant.
Coding change: c.477+5G>A on transcript NM_003742.4 (MANE Select); 5 bases into the intron after coding-DNA position 477, G replaced by A.
Molecular consequence: intron variant.
Genome position (GRCh38, 1-based): chr2:168,996,630, C>T on the plus strand (G>A on the coding strand, the complement: ABCB11 is on the minus strand). VCF-style: chr2-168996630-C-T. GRCh37 (hg19) VCF-style: chr2-169853140-C-T.
Identifiers: ClinVar variation 4846715 (VCV004846715.1).